The following is an entry in ClinVar:

NM_001384140.1(PCDH15):c.2421C>G (p.Ile807Met)

Gene: PCDH15 (protocadherin related 15; minus strand). Cytogenetic location: 10q21.1.
Variant type: single nucleotide variant.
Coding change: c.2421C>G on transcript NM_001384140.1 (MANE Select); coding-DNA position 2421, C replaced by G.
Protein change: p.Ile807Met; replaces isoleucine 807 with methionine.
Molecular consequence: missense variant.
Genome position (GRCh38, 1-based): chr10:54,022,997, G>C on the plus strand (C>G on the coding strand, the complement: PCDH15 is on the minus strand). VCF-style: chr10-54022997-G-C. GRCh37 (hg19) VCF-style: chr10-55782757-G-C.
Other names: c.2421C>G, p.Ile807Met (NM_001142766.2, NM_001142770.3, NM_001142772.2 and 5 more transcripts); c.2310C>G, p.Ile770Met (NM_001142767.2); c.2355C>G, p.Ile785Met (NM_001142768.2, NM_001142773.2, NM_001354404.2); c.2457C>G, p.Ile819Met (NM_001142769.4); c.2436C>G, p.Ile812Met (NM_001142771.2, NM_001142763.2); c.2442C>G, p.Ile814Met (NM_001354411.2); c.2208C>G, p.Ile736Met (NM_001142765.2); short protein forms I736M, I770M, I785M, I807M, I812M, I814M, I819M.
Identifiers: ClinVar variation 3603086 (VCV003603086.1).
Genomic context (GRCh38, chr10:54,022,997, plus strand): 5'-AAGGACAGTGTATGTTGAATTGGTGAACACAGGACTGTTATCATCAATGTCCAAAACCTT[G>C]ATGGCCAAGGTTAGAGTTGAATGACGAGGGTGTACTGCTCCATCTGTTGCCACAACAACA-3'
Protein context (NP_001371069.1, residues 797-817): HPRHSTLTLA[Ile807Met]KVLDIDDNSP

ClinVar aggregate classification (germline): Uncertain significance (1 of 4 stars; one submission).

gnomAD v4.1: 6 of 1,613,944 alleles (0.00037%); highest among the groups gnomAD compares: Middle Eastern, 0.016%; no homozygotes.

Submission:

GeneDx
Classification: Uncertain significance. Last evaluated: 2024-08-06. Review status: criteria provided, single submitter. Criteria: GeneDx Variant Classification Process June 2021. Collection method: clinical testing. Allele origin: germline. Affected: yes.
Comment: Not observed at significant frequency in large population cohorts (gnomAD); In silico analysis indicates that this missense variant does not alter protein structure/function; Has not been previously published as pathogenic or benign to our knowledge